The following is an entry in ClinVar:

ClinVar aggregate classification (germline): Uncertain significance (1 of 4 stars; one submission).

Conditions:
Glucose-6-phosphate transport defect (GSD1B). Also called: Glycogen Storage Disease Type Ib; GSD Ib. Identifiers: Orphanet 364, Orphanet 79259, MedGen C0268146, MONDO:0009288, OMIM 232220.

Submission:

Labcorp Genetics (formerly Invitae), Labcorp
Classification: Uncertain significance for Glucose-6-phosphate transport defect. Last evaluated: 2023-10-05. Review status: criteria provided, single submitter. Criteria: Invitae Variant Classification Sherloc (09022015). Collection method: clinical testing. Allele origin: germline.
Comment: This sequence change replaces glutamine, which is neutral and polar, with arginine, which is basic and polar, at codon 248 of the SLC37A4 protein (p.Gln248Arg). This variant is not present in population databases (gnomAD no frequency). This variant has not been reported in the literature in individuals affected with SLC37A4-related conditions. Advanced modeling of protein sequence and biophysical properties (such as structural, functional, and spatial information, amino acid conservation, physicochemical variation, residue mobility, and thermodynamic stability) performed at Invitae indicates that this missense variant is expected to disrupt SLC37A4 protein function. In summary, the available evidence is currently insufficient to determine the role of this variant in disease. Therefore, it has been classified as a Variant of Uncertain Significance.

NM_001164277.2(SLC37A4):c.743A>G (p.Gln248Arg)

Gene: SLC37A4 (solute carrier family 37 member 4; minus strand). Cytogenetic location: 11q23.3.
Variant type: single nucleotide variant.
Coding change: c.743A>G on transcript NM_001164277.2 (MANE Select); coding-DNA position 743, A replaced by G.
Protein change: p.Gln248Arg; replaces glutamine 248 with arginine.
Molecular consequence: missense variant.
Genome position (GRCh38, 1-based): chr11:119,026,978, T>C on the plus strand (A>G on the coding strand, the complement: SLC37A4 is on the minus strand). VCF-style: chr11-119026978-T-C. GRCh37 (hg19) VCF-style: chr11-118897688-T-C.
Other names: c.743A>G, p.Gln248Arg (NM_001164278.2, NM_001164280.2, NM_001467.6); c.524A>G, p.Gln175Arg (NM_001164279.2); short protein forms Q175R, Q248R.
Identifiers: ClinVar variation 2765655 (VCV002765655.3), dbSNP rs2497023217, ClinGen allele CA382901048.
Genomic context (GRCh38, chr11:119,026,978, plus strand): 5'-GTCCCCATGCTCATCTTACCTACAAGGGCTGACTGTCCTTTCTCCTGGATAAGGAAGAAC[T>C]GGCCCCAGTCAGTACAGCAGGTCTTTACTCCAAACACCACAAGGTAACCAGTGGAGAGCA-3'
Protein context (NP_001157749.1, residues 238-258): GVKTCCTDWG[Gln248Arg]FFLIQEKGQS